The following is an entry in ClinVar:

ClinVar aggregate classification (germline): Uncertain significance. Review status: criteria provided, single submitter (1 of 4 stars). 2 submissions from 2 submitters: Uncertain significance (1). 1 of the submissions does not count toward it. Last evaluated 2022-04-28.

Conditions:
Ataxia-telangiectasia syndrome (AT). Also called: Ataxia-telangiectasia, complementation group D; AT, COMPLEMENTATION GROUP C; Ataxia-telangiectasia; Ataxia telangiectasia (A-T); Ataxia-telangiectasia, complementation group E; Cerebello-oculocutaneous telangiectasia. Identifiers: Orphanet 100, MedGen C0004135, MONDO:0008840, OMIM 208900.

Allele frequency attached by ClinVar (database versions not stated): gnomAD exomes below 0.00001; ExAC 0.00001.
gnomAD v4.1: 5 of 1,610,176 alleles (0.00031%); highest among the groups gnomAD compares: South Asian, 0.0033%; 1 homozygote.

Submissions (2):

Labcorp Genetics (formerly Invitae), Labcorp
Classification: Uncertain significance for Ataxia-telangiectasia syndrome. Last evaluated: 2022-04-28. Review status: criteria provided, single submitter. Criteria: Invitae Variant Classification Sherloc (09022015). Collection method: clinical testing. Allele origin: germline.
Comment: This sequence change replaces isoleucine, which is neutral and non-polar, with methionine, which is neutral and non-polar, at codon 1422 of the ATM protein (p.Ile1422Met). This variant is not present in population databases (gnomAD no frequency). This variant has not been reported in the literature in individuals affected with ATM-related conditions. Advanced modeling of protein sequence and biophysical properties (such as structural, functional, and spatial information, amino acid conservation, physicochemical variation, residue mobility, and thermodynamic stability) performed at Invitae indicates that this missense variant is not expected to disrupt ATM protein function. In summary, the available evidence is currently insufficient to determine the role of this variant in disease. Therefore, it has been classified as a Variant of Uncertain Significance.

Natera, Inc.
Classification: Uncertain significance for Ataxia-telangiectasia. Last evaluated: 2025-05-30. Review status: no assertion criteria provided. Collection method: clinical testing. Allele origin: germline. Not counted in ClinVar's aggregate classification.

NM_000051.4(ATM):c.4266A>G (p.Ile1422Met)

Gene: ATM (ATM serine/threonine kinase; plus strand). Cytogenetic location: 11q22.3.
Variant type: single nucleotide variant.
Coding change: c.4266A>G on transcript NM_000051.4 (MANE Select); coding-DNA position 4266, A replaced by G.
Protein change: p.Ile1422Met; replaces isoleucine 1422 with methionine.
Molecular consequence: missense variant.
Genome position (GRCh38, 1-based): chr11:108,289,631, A>G. VCF-style: chr11-108289631-A-G. GRCh37 (hg19) VCF-style: chr11-108160358-A-G.
Other names: c.4266A>G, p.Ile1422Met (NM_001351834.2); c.4266A>G (NM_000051.3); short protein forms I1422M.
Identifiers: ClinVar variation 1398876 (VCV001398876.6), dbSNP rs768794637, ClinGen allele CA6265431.